The following is an entry in ClinVar:

ClinVar aggregate classification (germline): Uncertain significance. Review status: criteria provided, multiple submitters, no conflicts (2 of 4 stars). 4 submissions from 4 submitters: Uncertain significance (4). Last evaluated 2025-08-29.

Conditions:
Hereditary cancer-predisposing syndrome. Also called: Tumor predisposition; Hereditary Cancer Syndrome; Neoplastic Syndromes, Hereditary; Hereditary neoplastic syndrome. Identifiers: Orphanet 140162, MedGen C0027672, MeSH D009386, MONDO:0015356.
Isolated focal cortical dysplasia type II (FCORD2). Also called: Focal cortical dysplasia type II; CORTICAL DYSPLASIA OF TAYLOR. Identifiers: Orphanet 268994, MedGen C1846385, MONDO:0011818, OMIM 607341, HP:0032051.
Tuberous sclerosis 1 (TSC1). Identifiers: Orphanet 805, MedGen C1854465, MONDO:0008612, OMIM 191100.

Submissions (4):

Labcorp Genetics (formerly Invitae), Labcorp
Classification: Uncertain significance for Tuberous sclerosis 1. Last evaluated: 2025-08-29. Review status: criteria provided, single submitter. Criteria: Invitae Variant Classification Sherloc (09022015). Collection method: clinical testing. Allele origin: germline.
Comment: This sequence change replaces serine, which is neutral and polar, with leucine, which is neutral and non-polar, at codon 282 of the TSC1 protein (p.Ser282Leu). This variant is not present in population databases (gnomAD no frequency). This variant has not been reported in the literature in individuals affected with TSC1-related conditions. ClinVar contains an entry for this variant (Variation ID: 1013888). Invitae Evidence Modeling of protein sequence and biophysical properties (such as structural, functional, and spatial information, amino acid conservation, physicochemical variation, residue mobility, and thermodynamic stability) indicates that this missense variant is not expected to disrupt TSC1 protein function with a negative predictive value of 95%. In summary, the available evidence is currently insufficient to determine the role of this variant in disease. Therefore, it has been classified as a Variant of Uncertain Significance.

Ambry Genetics
Classification: Uncertain significance for Hereditary cancer-predisposing syndrome. Last evaluated: 2025-08-19. Review status: criteria provided, single submitter. Criteria: Ambry Variant Classification Scheme 2023. Collection method: clinical testing. Allele origin: germline.
Comment: The p.S282L variant (also known as c.845C>T), located in coding exon 7 of the TSC1 gene, results from a C to T substitution at nucleotide position 845. The serine at codon 282 is replaced by leucine, an amino acid with dissimilar properties. This amino acid position is not well conserved in available vertebrate species. In addition, the in silico prediction for this alteration is inconclusive. Based on the available evidence, the clinical significance of this variant remains unclear.

GeneDx
Classification: Uncertain significance. Last evaluated: 2024-03-28. Review status: criteria provided, single submitter. Criteria: GeneDx Variant Classification Process June 2021. Collection method: clinical testing. Allele origin: germline. Affected: yes.
Comment: Not observed at significant frequency in large population cohorts (gnomAD); In silico analysis supports that this missense variant does not alter protein structure/function; Has not been previously published as pathogenic or benign to our knowledge

Baylor Genetics
Classification: Uncertain significance for Isolated focal cortical dysplasia type II. Last evaluated: 2023-05-05. Review status: criteria provided, single submitter. Criteria: ACMG Guidelines, 2015. Collection method: clinical testing. Allele origin: unknown.

NM_000368.5(TSC1):c.845C>T (p.Ser282Leu)

Gene: TSC1 (TSC complex subunit 1; minus strand). Cytogenetic location: 9q34.13.
Variant type: single nucleotide variant.
Coding change: c.845C>T on transcript NM_000368.5 (MANE Select); coding-DNA position 845, C replaced by T.
Protein change: p.Ser282Leu; replaces serine 282 with leucine.
Molecular consequence: missense variant.
Genome position (GRCh38, 1-based): chr9:132,912,350, G>A on the plus strand (C>T on the coding strand, the complement: TSC1 is on the minus strand). VCF-style: chr9-132912350-G-A. GRCh37 (hg19) VCF-style: chr9-135787737-G-A.
Other names: c.845C>T, p.Ser282Leu (NM_001162426.2); c.692C>T, p.Ser231Leu (NM_001162427.2); c.482C>T, p.Ser161Leu (NM_001362177.2); c.845C>T (NM_000368.4); short protein forms S161L, S231L, S282L.
Identifiers: ClinVar variation 1013888 (VCV001013888.11), dbSNP rs118203459, ClinGen allele CA375369264.